The following is an entry in ClinVar:

NM_005751.5(AKAP9):c.4769T>C (p.Met1590Thr)

Gene: AKAP9 (A-kinase anchoring protein 9; plus strand). Cytogenetic location: 7q21.2.
Variant type: single nucleotide variant.
Coding change: c.4769T>C on transcript NM_005751.5 (MANE Select); coding-DNA position 4769, T replaced by C.
Protein change: p.Met1590Thr; replaces methionine 1590 with threonine.
Molecular consequence: missense variant.
Genome position (GRCh38, 1-based): chr7:92,040,750, T>C. VCF-style: chr7-92040750-T-C. GRCh37 (hg19) VCF-style: chr7-91670064-T-C.
Other names: c.4769T>C, p.Met1590Thr (NM_147185.3); short protein forms M1590T.
Identifiers: ClinVar variation 4869091 (VCV004869091.1).
Genomic context (GRCh38, chr7:92,040,750, plus strand): 5'-CAGTGTCAAGCATGGATGCTTCTAGACAACTAATGTTGAATGAAGAACAGTTGGAAGATA[T>C]GAGACAGGAACTTGTACGACAATACCAAGAACATCAACAGGCAACGGAATTGTTAAGGCA-3'
Protein context (NP_005742.4, residues 1580-1600): LMLNEEQLED[Met1590Thr]RQELVRQYQE

ClinVar aggregate classification (germline): Uncertain significance (1 of 4 stars; one submission).

Conditions:
Cardiovascular phenotype. Identifiers: MedGen CN230736.

Submission:

Ambry Genetics
Classification: Uncertain significance for Cardiovascular phenotype. Last evaluated: 2026-05-23. Review status: criteria provided, single submitter. Criteria: Ambry Variant Classification Scheme 2023. Collection method: clinical testing. Allele origin: germline.
Comment: The p.M1590T variant (also known as c.4769T>C), located in coding exon 18 of the AKAP9 gene, results from a T to C substitution at nucleotide position 4769. The methionine at codon 1590 is replaced by threonine, an amino acid with similar properties. This amino acid position is conserved. In addition, this alteration is predicted to be tolerated by in silico analysis. Based on the available evidence, the clinical significance of this variant remains unclear.